The following is an entry in ClinVar:

ClinVar aggregate classification (germline): Likely benign (0 of 4 stars; one submission).

Conditions:
CEP290-related disorder. Also called: CEP290-related condition; CEP290-related disorders. Identifiers: MedGen CN239314.

gnomAD v4.1: 1 of 152,524 alleles (0.00066%); highest among the groups gnomAD compares: Non-Finnish European, 0.0015%; no homozygotes.

Submission:

PreventionGenetics, part of Exact Sciences
Classification: Likely benign for CEP290-related condition. Last evaluated: 2023-10-31. Review status: no assertion criteria provided. Collection method: clinical testing. Allele origin: germline.
Comment: This variant is classified as likely benign based on ACMG/AMP sequence variant interpretation guidelines (Richards et al. 2015 PMID: 25741868, with internal and published modifications).

NM_025114.4(CEP290):c.-34G>A

Gene: CEP290 (centrosomal protein 290; minus strand). Cytogenetic location: 12q21.32.
Variant type: single nucleotide variant.
Coding change: c.-34G>A on transcript NM_025114.4 (MANE Select); 34 bases upstream of the start codon, G replaced by A.
Molecular consequence: 5 prime UTR variant.
Genome position (GRCh38, 1-based): chr12:88,141,906, C>T on the plus strand (G>A on the coding strand, the complement: CEP290 is on the minus strand). VCF-style: chr12-88141906-C-T. GRCh37 (hg19) VCF-style: chr12-88535683-C-T.
Identifiers: ClinVar variation 3348078 (VCV003348078.1).
Genomic context (GRCh38, chr12:88,141,906, plus strand): 5'-AAAGAACCTGAGCGTGGAGTGACTCGCTAATCCTGCTTACAAGGATCCACCCACCTAGAC[C>T]AAGCCTGGCAACCAGCGGAGGCCTCTCACTACCGCAACCACCAAGCTGGACCCGGCCGCG-3'